The following is an entry in ClinVar:

NM_000257.4(MYH7):c.4663G>C (p.Glu1555Gln)

Genes: MHRT (myosin heavy chain associated RNA transcript; plus strand), MYH7 (myosin heavy chain 7; minus strand), LOC126861897 (BRD4-independent group 4 enhancer GRCh37_chr14:23884455-23885654; plus strand). Cytogenetic location: 14q11.2.
Variant type: single nucleotide variant.
Coding change: c.4663G>C on transcript NM_000257.4 (MANE Select); coding-DNA position 4663, G replaced by C.
Protein change: p.Glu1555Gln; replaces glutamic acid 1555 with glutamine.
Molecular consequence: missense variant. On other transcripts: non-coding transcript variant (1).
Genome position (GRCh38, 1-based): chr14:23,416,294, C>G on the plus strand (G>C on the coding strand, the complement: MYH7 is on the minus strand). VCF-style: chr14-23416294-C-G. GRCh37 (hg19) VCF-style: chr14-23885503-C-G.
Other names: short protein forms E1555Q.
Identifiers: ClinVar variation 179858 (VCV000179858.14), dbSNP rs727505176, ClinGen allele CA015206.

ClinVar aggregate classification (germline): Uncertain significance. Review status: criteria provided, multiple submitters, no conflicts (2 of 4 stars). 3 submissions from 3 submitters: Uncertain significance (3). Last evaluated 2024-09-12.

Conditions:
Hypertrophic cardiomyopathy. Also called: HYPERTROPHIC MYOCARDIOPATHY. Identifiers: Orphanet 217569, MedGen C0007194, MeSH D002312, MONDO:0005045, HP:0001639.

Submissions (3):

Labcorp Genetics (formerly Invitae), Labcorp
Classification: Uncertain significance for Hypertrophic cardiomyopathy. Last evaluated: 2024-09-12. Review status: criteria provided, single submitter. Criteria: Invitae Variant Classification Sherloc (09022015). Collection method: clinical testing. Allele origin: germline.
Comment: This sequence change replaces glutamic acid, which is acidic and polar, with glutamine, which is neutral and polar, at codon 1555 of the MYH7 protein (p.Glu1555Gln). This variant is not present in population databases (gnomAD no frequency). This variant has not been reported in the literature in individuals affected with MYH7-related conditions. ClinVar contains an entry for this variant (Variation ID: 179858). Invitae Evidence Modeling of protein sequence and biophysical properties (such as structural, functional, and spatial information, amino acid conservation, physicochemical variation, residue mobility, and thermodynamic stability) indicates that this missense variant is expected to disrupt MYH7 protein function with a positive predictive value of 95%. This variant disrupts the p.Glu1555 amino acid residue in MYH7. Other variant(s) that disrupt this residue have been observed in individuals with MYH7-related conditions (PMID: 22765922, 23782526, 31130376), which suggests that this may be a clinically significant amino acid residue. In summary, the available evidence is currently insufficient to determine the role of this variant in disease. Therefore, it has been classified as a Variant of Uncertain Significance.

Blueprint Genetics
Classification: Uncertain significance. Last evaluated: 2021-03-09. Review status: criteria provided, single submitter. Criteria: ACMG Guidelines, 2015. Collection method: clinical testing. Allele origin: germline.

Laboratory for Molecular Medicine, Mass General Brigham Personalized Medicine
Classification: Uncertain significance. Last evaluated: 2014-07-11. Review status: criteria provided, single submitter. Criteria: LMM Criteria. Collection method: clinical testing. Allele origin: germline. Observed: 1 variant allele.
Comment: Variant classified as Uncertain Significance - Favor Pathogenic. The Glu1555Gln variant in MYH7 has not been previously reported in individuals with cardiomyopa thy or in large population studies. Glutamic acid (Glu) at position 1555 is high ly conserved in mammals and across evolutionarily distant species and the change to glutamine (Gln) was predicted to be pathogenic using a computational tool cl inically validated by our laboratory. This tool's pathogenic prediction is estim ated to be correct 94% of the time (Jordan 2011). However, there is conflicting evidence on whether or not variation at position 1555 impacts protein function ( Flashman 2007, Wolny 2013). In summary, while there is some suspicion for a path ogenic role, the clinical significance of the Glu1555Gln variant is uncertain.

Literature cited by the submitters: PubMed 22765922 (cited by Labcorp Genetics (formerly Invitae), Labcorp); PubMed 23782526 (cited by Labcorp Genetics (formerly Invitae), Labcorp); PubMed 31130376 (cited by Labcorp Genetics (formerly Invitae), Labcorp); PubMed 16918501 (cited by Laboratory for Molecular Medicine, Mass General Brigham Personalized Medicine); PubMed 11968089 (cited by Laboratory for Molecular Medicine, Mass General Brigham Personalized Medicine); PubMed 24047955 (cited by Laboratory for Molecular Medicine, Mass General Brigham Personalized Medicine).